The following is an entry in ClinVar:

ClinVar aggregate classification (germline): Uncertain significance (1 of 4 stars; one submission).

Conditions:
Familial thoracic aortic aneurysm and aortic dissection (TAAD). Also called: Thoracic aortic aneurysms and dissections. Identifiers: Orphanet 91387, MedGen C4707243, MONDO:0019625.
Hereditary cancer-predisposing syndrome. Also called: Neoplastic Syndromes, Hereditary; Tumor predisposition; Hereditary Cancer Syndrome; Hereditary neoplastic syndrome. Identifiers: Orphanet 140162, MedGen C0027672, MeSH D009386, MONDO:0015356.

Submission:

Ambry Genetics
Classification: Uncertain significance for Hereditary cancer-predisposing syndrome; Familial thoracic aortic aneurysm and aortic dissection. Last evaluated: 2026-06-14. Review status: criteria provided, single submitter. Criteria: Ambry Variant Classification Scheme 2023. Collection method: clinical testing. Allele origin: germline.
Comment: The p.D552H variant (also known as c.1654G>C), located in coding exon 11 of the SMAD4 gene, results from a G to C substitution at nucleotide position 1654. The aspartic acid at codon 552 is replaced by histidine, an amino acid with similar properties. This amino acid position is conserved. In addition, this alteration is predicted to be deleterious by in silico analysis. Based on the available evidence, the clinical significance of this variant remains unclear.

NM_005359.6(SMAD4):c.1654G>C (p.Asp552His)

Gene: SMAD4 (SMAD family member 4; plus strand). Cytogenetic location: 18q21.2.
Variant type: single nucleotide variant.
Coding change: c.1654G>C on transcript NM_005359.6 (MANE Select); coding-DNA position 1654, G replaced by C.
Protein change: p.Asp552His; replaces aspartic acid 552 with histidine.
Molecular consequence: missense variant. On other transcripts: non-coding transcript variant (1).
Genome position (GRCh38, 1-based): chr18:51,078,462, G>C. VCF-style: chr18-51078462-G-C. GRCh37 (hg19) VCF-style: chr18-48604832-G-C.
Other names: c.1654G>C, p.Asp552His (NM_001407041.1, NM_001407042.1); short protein forms D552H.
Identifiers: ClinVar variation 4864712 (VCV004864712.1).